The following is an entry in ClinVar:

NM_000090.4(COL3A1):c.2663G>A (p.Gly888Asp)

Gene: COL3A1 (collagen type III alpha 1 chain; plus strand). Cytogenetic location: 2q32.2.
Variant type: single nucleotide variant.
Coding change: c.2663G>A on transcript NM_000090.4 (MANE Select); coding-DNA position 2663, G replaced by A.
Protein change: p.Gly888Asp; replaces glycine 888 with aspartic acid.
Molecular consequence: missense variant.
Genome position (GRCh38, 1-based): chr2:189,003,983, G>A. VCF-style: chr2-189003983-G-A. GRCh37 (hg19) VCF-style: chr2-189868709-G-A.
Other names: short protein forms G888D.
Identifiers: ClinVar variation 4718292 (VCV004718292.1).
Genomic context (GRCh38, chr2:189,003,983, plus strand): 5'-AAGAAAGAAAAAATGCACTTTTTATTATAAATATTCAAATTTCAAACAATTATTTGTAGG[G>A]TAACCCAGGACCCCCAGGTCCCAGCGGTTCTCCAGGCAAGGATGGGCCCCCAGGTCCTGC-3'
Protein context (NP_000081.2, residues 878-898): RGLPGPPGSN[Gly888Asp]NPGPPGPSGS

ClinVar aggregate classification (germline): Likely pathogenic (1 of 4 stars; one submission).

Conditions:
Ehlers-Danlos syndrome, type 4 (EDSVASC). Also called: Ehlers-Danlos syndrome vascular type; Ehlers Danlos syndrome, ecchymotic type; Ehlers Danlos syndrome, arterial type; Ehlers Danlos syndrome, Sack-Barabas type; Ehlers-Danlos Syndrome Type IV. Identifiers: Orphanet 286, MedGen C0268338, MONDO:0017314, OMIM 130050.

Submission:

Labcorp Genetics (formerly Invitae), Labcorp
Classification: Likely pathogenic for Ehlers-Danlos syndrome, type 4. Last evaluated: 2025-04-24. Review status: criteria provided, single submitter. Criteria: Invitae Variant Classification Sherloc (09022015). Collection method: clinical testing. Allele origin: germline.
Comment: This sequence change replaces glycine, which is neutral and non-polar, with aspartic acid, which is acidic and polar, at codon 888 of the COL3A1 protein (p.Gly888Asp). This variant is not present in population databases (gnomAD no frequency). This missense change has been observed in individual(s) with Ehlers-Danlos syndrome (internal data). Experimental studies and prediction algorithms are not available or were not evaluated, and the functional significance of this variant is currently unknown. This variant disrupts the triple helix domain of COL3A1. Glycine residues within the Gly-Xaa-Yaa repeats of the triple helix domain are required for the structure and stability of fibrillar collagens (PMID: 7695699, 8218237, 19344236). In COL3A1, variants that affect these glycine residues are significantly enriched in individuals with disease (PMID: 24922459, 25758994) compared to the general population (ExAC). In summary, the currently available evidence indicates that the variant is pathogenic, but additional data are needed to prove that conclusively. Therefore, this variant has been classified as Likely Pathogenic.

Literature cited by the submitters: PubMed 7695699; PubMed 8218237; PubMed 19344236; PubMed 24922459; PubMed 25758994.